The following is an entry in ClinVar:

ClinVar aggregate classification (germline): Uncertain significance (0 of 4 stars; one submission).

Conditions:
MID1-related disorder. Also called: MID1-related condition.

gnomAD v4.1: 10 of 536,908 alleles (0.0019%); highest among the groups gnomAD compares: Non-Finnish European, 0.0026%; no homozygotes.

Submission:

PreventionGenetics, part of Exact Sciences
Classification: Uncertain significance for MID1-related condition. Last evaluated: 2024-04-12. Review status: no assertion criteria provided. Collection method: clinical testing. Allele origin: germline.
Comment: The MID1 c.653C>T variant is predicted to result in the amino acid substitution p.Ser218Phe. This variant is referred to as c.757-10784C>T (intronic) with an alternate transcript NM_000381. To our knowledge, this variant has not been reported in the literature. This variant is reported in 0.0051% of alleles in individuals of Latino descent in gnomAD. At this time, the clinical significance of this variant is uncertain due to the absence of conclusive functional and genetic evidence.

NM_000381.4(MID1):c.757-10784C>T

Gene: MID1 (midline 1; minus strand). Cytogenetic location: Xp22.2.
Variant type: single nucleotide variant.
Coding change: c.757-10784C>T on transcript NM_000381.4 (MANE Select); 10784 bases into the intron before coding-DNA position 757, C replaced by T.
Molecular consequence: intron variant.
Genome position (GRCh38, 1-based): chrX:10,506,475, G>A on the plus strand (C>T on the coding strand, the complement: MID1 is on the minus strand). VCF-style: chrX-10506475-G-A. GRCh37 (hg19) VCF-style: chrX-10474515-G-A.
Other names: NM_001193281.1:c.653C>T; c.757-10784C>T (NM_033290.4, NM_001098624.2, NM_001347733.2 and 2 more transcripts); c.643-10784C>T (NM_033289.2, NM_001193280.1); c.757-4916C>T (NM_001193278.1).
Identifiers: ClinVar variation 3353345 (VCV003353345.1).